The following is an entry in ClinVar:

NM_025257.3(SLC44A4):c.997C>T (p.Arg333Trp)

Gene: SLC44A4 (solute carrier family 44 member 4; minus strand). Cytogenetic location: 6p21.33.
Variant type: single nucleotide variant.
Coding change: c.997C>T on transcript NM_025257.3 (MANE Select); coding-DNA position 997, C replaced by T.
Protein change: p.Arg333Trp; replaces arginine 333 with tryptophan.
Molecular consequence: missense variant.
Genome position (GRCh38, 1-based): chr6:31,870,643, G>A on the plus strand (C>T on the coding strand, the complement: SLC44A4 is on the minus strand). VCF-style: chr6-31870643-G-A. GRCh37 (hg19) VCF-style: chr6-31838420-G-A.
Other names: c.871C>T, p.Arg291Trp (NM_001178044.2); c.769C>T, p.Arg257Trp (NM_001178045.2); short protein forms R333W, R257W, R291W.
Identifiers: ClinVar variation 1028383 (VCV001028383.7), dbSNP rs751632783, ClinGen allele CA3725523.

ClinVar aggregate classification (germline): Uncertain significance. Review status: criteria provided, multiple submitters, no conflicts (2 of 4 stars). 4 submissions from 4 submitters: Uncertain significance (4). Last evaluated 2023-11-10.

Conditions:
Hearing loss, autosomal dominant 72. Also called: DEAFNESS, AUTOSOMAL DOMINANT 72. Identifiers: MedGen C4539886, MONDO:0033259, OMIM 617606.

Allele frequency attached by ClinVar (database versions not stated): gnomAD exomes 0.00001 and 0.00002; TOPMed 0.00002; ExAC 0.00001; gnomAD 0.00001.

Submissions (4):

Daryl Scott Lab, Baylor College of Medicine
Classification: Uncertain significance for Hearing loss, autosomal dominant 72. Last evaluated: 2023-11-10. Review status: criteria provided, single submitter. Criteria: ACMG Guidelines, 2015. Collection method: clinical testing. Allele origin: de novo.

Labcorp Genetics (formerly Invitae), Labcorp
Classification: Uncertain significance. Last evaluated: 2022-12-28. Review status: criteria provided, single submitter. Criteria: Invitae Variant Classification Sherloc (09022015). Collection method: clinical testing. Allele origin: germline.
Comment: This sequence change replaces arginine, which is basic and polar, with tryptophan, which is neutral and slightly polar, at codon 333 of the SLC44A4 protein (p.Arg333Trp). The frequency data for this variant in the population databases is considered unreliable, as metrics indicate poor data quality at this position in the gnomAD database. This variant has not been reported in the literature in individuals affected with SLC44A4-related conditions. ClinVar contains an entry for this variant (Variation ID: 1028383). Advanced modeling of protein sequence and biophysical properties (such as structural, functional, and spatial information, amino acid conservation, physicochemical variation, residue mobility, and thermodynamic stability) performed at Invitae indicates that this missense variant is expected to disrupt SLC44A4 protein function. In summary, the available evidence is currently insufficient to determine the role of this variant in disease. Therefore, it has been classified as a Variant of Uncertain Significance.

Ambry Genetics
Classification: Uncertain significance. Last evaluated: 2022-01-19. Review status: criteria provided, single submitter. Criteria: Ambry Variant Classification Scheme 2023. Collection method: clinical testing. Allele origin: germline.

Baylor Genetics
Classification: Uncertain significance for Hearing loss, autosomal dominant 72. Last evaluated: 2019-04-19. Review status: criteria provided, single submitter. Criteria: ACMG Guidelines, 2015. Collection method: clinical testing. Allele origin: de novo. Affected: yes.
Comment: This variant was determined to be of uncertain significance according to ACMG Guidelines, 2015 [PMID:25741868].